The following is an entry in ClinVar:

NM_004380.3(CREBBP):c.4896C>T (p.Phe1632=)

Gene: CREBBP (CREB binding lysine acetyltransferase; minus strand). Cytogenetic location: 16p13.3.
Variant type: single nucleotide variant.
Coding change: c.4896C>T on transcript NM_004380.3 (MANE Select); coding-DNA position 4896, C replaced by T.
Protein change: p.Phe1632=; no amino-acid change (phenylalanine 1632 retained).
Molecular consequence: synonymous variant.
Genome position (GRCh38, 1-based): chr16:3,731,468, G>A on the plus strand (C>T on the coding strand, the complement: CREBBP is on the minus strand). VCF-style: chr16-3731468-G-A. GRCh37 (hg19) VCF-style: chr16-3781469-G-A.
Other names: c.4782C>T, p.Phe1594= (NM_001079846.1).
Identifiers: ClinVar variation 3058195 (VCV003058195.2), dbSNP rs757841480, ClinGen allele CA7869385.
Genomic context (GRCh38, chr16:3,731,468, plus strand): 5'-GGGGTCGACGATGGGGGGCAGGGTGTTGATGACAGGCCCAGCGTGCAGGTGGATCACGAA[G>A]AAGACCTGCAGGAGAGGAGGGGCTTTAGTCCCACACAAGGGACATGGCACCTCCAGTGGT-3'
Protein context (NP_004371.2, residues 1622-1642): YATMEKHKEV[Phe1632=]FVIHLHAGPV

ClinVar aggregate classification (germline): Likely benign (0 of 4 stars; one submission).

Conditions:
CREBBP-related disorder. Also called: CREBBP-related disorders; CREBBP-related condition.

Allele frequency attached by ClinVar (database versions not stated): gnomAD exomes 0.00001; ExAC 0.00002.
gnomAD v4.1: 12 of 1,586,088 alleles (0.00076%); highest among the groups gnomAD compares: South Asian, 0.0011%; no homozygotes.

Submission:

PreventionGenetics, part of Exact Sciences
Classification: Likely benign for CREBBP-related condition. Last evaluated: 2021-07-07. Review status: no assertion criteria provided. Collection method: clinical testing. Allele origin: germline.
Comment: This variant is classified as likely benign based on ACMG/AMP sequence variant interpretation guidelines (Richards et al. 2015 PMID: 25741868, with internal and published modifications).